The following is an entry in ClinVar:

NM_000147.5(FUCA1):c.88C>T (p.Arg30Trp)

Gene: FUCA1 (alpha-L-fucosidase 1; minus strand). Cytogenetic location: 1p36.11.
Variant type: single nucleotide variant.
Coding change: c.88C>T on transcript NM_000147.5 (MANE Select); coding-DNA position 88, C replaced by T.
Protein change: p.Arg30Trp; replaces arginine 30 with tryptophan.
Molecular consequence: missense variant. On other transcripts: non-coding transcript variant (4).
Genome position (GRCh38, 1-based): chr1:23,868,199, G>A on the plus strand (C>T on the coding strand, the complement: FUCA1 is on the minus strand). VCF-style: chr1-23868199-G-A. GRCh37 (hg19) VCF-style: chr1-24194689-G-A.
Other names: short protein forms R30W.
Identifiers: ClinVar variation 2632113 (VCV002632113.2), dbSNP rs1227879514, ClinGen allele CA339010634.

ClinVar aggregate classification (germline): Uncertain significance. Review status: criteria provided, multiple submitters, no conflicts (2 of 4 stars). 2 submissions from 2 submitters: Uncertain significance (2). Last evaluated 2025-04-20.

Conditions:
Inborn genetic diseases. Identifiers: MedGen C0950123, MeSH D030342.
FUCA1-related disorder. Also called: FUCA1-related condition.

Allele frequency attached by ClinVar (database versions not stated): gnomAD exomes 0.00001.
gnomAD v4.1: 3 of 1,598,166 alleles (0.00019%); highest among the groups gnomAD compares: Admixed American, 0.0035%; no homozygotes.

Submissions (2):

Ambry Genetics
Classification: Uncertain significance for Inborn genetic diseases. Last evaluated: 2025-04-20. Review status: criteria provided, single submitter. Criteria: Ambry Variant Classification Scheme 2023. Collection method: clinical testing. Allele origin: germline.

PreventionGenetics, part of Exact Sciences
Classification: Uncertain significance for FUCA1-related condition. Last evaluated: 2022-12-08. Review status: criteria provided, single submitter. Criteria: ACMG Guidelines, 2015. Collection method: clinical testing. Allele origin: germline.
Comment: The FUCA1 c.88C>T variant is predicted to result in the amino acid substitution p.Arg30Trp. To our knowledge, this variant has not been reported in the literature. This variant is reported in 0.0032% of alleles in individuals of Latino descent in gnomAD. At this time, the clinical significance of this variant is uncertain due to the absence of conclusive functional and genetic evidence.